The following is an entry in ClinVar:

ClinVar aggregate classification (germline): Uncertain significance (1 of 4 stars; one submission).

Allele frequency attached by ClinVar (database versions not stated): gnomAD exomes below 0.00001.
gnomAD v4.1: 2 of 1,607,492 alleles (0.00012%); highest among the groups gnomAD compares: Middle Eastern, 0.017%; no homozygotes.

Submission:

Labcorp Genetics (formerly Invitae), Labcorp
Classification: Uncertain significance. Last evaluated: 2024-10-22. Review status: criteria provided, single submitter. Criteria: Invitae Variant Classification Sherloc (09022015). Collection method: clinical testing. Allele origin: germline.
Comment: This sequence change replaces alanine, which is neutral and non-polar, with threonine, which is neutral and polar, at codon 28 of the NCSTN protein (p.Ala28Thr). This variant is not present in population databases (gnomAD no frequency). This variant has not been reported in the literature in individuals affected with NCSTN-related conditions. ClinVar contains an entry for this variant (Variation ID: 2087344). Invitae Evidence Modeling of protein sequence and biophysical properties (such as structural, functional, and spatial information, amino acid conservation, physicochemical variation, residue mobility, and thermodynamic stability) indicates that this missense variant is not expected to disrupt NCSTN protein function with a negative predictive value of 80%. In summary, the available evidence is currently insufficient to determine the role of this variant in disease. Therefore, it has been classified as a Variant of Uncertain Significance.

NM_015331.3(NCSTN):c.82G>A (p.Ala28Thr)

Gene: NCSTN (nicastrin; plus strand). Cytogenetic location: 1q23.2.
Variant type: single nucleotide variant.
Coding change: c.82G>A on transcript NM_015331.3 (MANE Select); coding-DNA position 82, G replaced by A.
Protein change: p.Ala28Thr; replaces alanine 28 with threonine.
Molecular consequence: missense variant. On other transcripts: 5 prime UTR variant (1).
Genome position (GRCh38, 1-based): chr1:160,343,478, G>A. VCF-style: chr1-160343478-G-A. GRCh37 (hg19) VCF-style: chr1-160313268-G-A.
Other names: c.-118G>A (NM_001290184.2); c.82G>A, p.Ala28Thr (NM_001290186.2, NM_001349729.2); short protein forms A28T.
Identifiers: ClinVar variation 2087344 (VCV002087344.4), dbSNP rs1648227637, ClinGen allele CA343274497.